The following is an entry in ClinVar:

ClinVar aggregate classification (germline): Uncertain significance. Review status: criteria provided, single submitter (1 of 4 stars). 2 submissions from 2 submitters: Uncertain significance (1). 1 of the submissions does not count toward it. Last evaluated 2025-11-04.

Conditions:
Metachromatic leukodystrophy (MLD). Also called: ARSA DEFICIENCY; CEREBROSIDE SULFATASE DEFICIENCY; Arylsulfatase A Deficiency; Cerebral sclerosis diffuse metachromatic form; METACHROMATIC LEUKOENCEPHALOPATHY; SULFATIDE LIPIDOSIS. Identifiers: Orphanet 512, MedGen C0023522, MONDO:0018868, OMIM 250100.

Allele frequency attached by ClinVar (database versions not stated): TOPMed below 0.00001.

Submissions (2):

Myriad Genetics, Inc.
Classification: Uncertain significance for Metachromatic leukodystrophy. Last evaluated: 2025-11-04. Review status: criteria provided, single submitter. Criteria: Myriad Autosomal Dominant, Autosomal Recessive and X-Linked Classification Criteria (2023). Collection method: clinical testing. Allele origin: unknown.
Comment: NM_000487.5(ARSA):c.521G>A(C174Y) is a missense variant classified as a variant of uncertain significance in the context of metachromatic leukodystrophy. C174Y has been observed in cases with relevant disease (PMID: 7581401, 31312839). Relevant functional assessments of this variant are not available in the literature. C174Y has not been observed in referenced population frequency databases. In summary, there is insufficient evidence to classify NM_000487.5(ARSA):c.521G>A(C174Y) as pathogenic or benign. Please note: this variant was assessed in the context of healthy population screening.

UniProtKB/Swiss-Prot
No classification provided. Review status: no classification provided. Collection method: not provided. Allele origin: not provided. Not counted in ClinVar's aggregate classification.

Literature cited by the submitters: PubMed 31312839 (cited by Myriad Genetics, Inc.); PubMed 7581401 (cited by Myriad Genetics, Inc.).

NM_000487.6(ARSA):c.521G>A (p.Cys174Tyr)

Gene: ARSA (arylsulfatase A; minus strand). Cytogenetic location: 22q13.33.
Variant type: single nucleotide variant.
Coding change: c.521G>A on transcript NM_000487.6 (MANE Select); coding-DNA position 521, G replaced by A.
Protein change: p.Cys174Tyr; replaces cysteine 174 with tyrosine.
Molecular consequence: missense variant.
Genome position (GRCh38, 1-based): chr22:50,626,997, C>T on the plus strand (G>A on the coding strand, the complement: ARSA is on the minus strand). VCF-style: chr22-50626997-C-T. GRCh37 (hg19) VCF-style: chr22-51065425-C-T.
Other names: c.521G>A, p.Cys174Tyr (NM_001085425.3, NM_001085426.3, NM_001085427.3); c.263G>A, p.Cys88Tyr (NM_001085428.3, NM_001362782.2); short protein forms C174Y, C88Y.
Identifiers: ClinVar variation 68139 (VCV000068139.2), dbSNP rs199476381, ClinGen allele CA219034.